The following is an entry in ClinVar:

NM_001999.4(FBN2):c.5427T>G (p.Ile1809Met)

Gene: FBN2 (fibrillin 2; minus strand). Cytogenetic location: 5q23.3.
Variant type: single nucleotide variant.
Coding change: c.5427T>G on transcript NM_001999.4 (MANE Select); coding-DNA position 5427, T replaced by G.
Protein change: p.Ile1809Met; replaces isoleucine 1809 with methionine.
Molecular consequence: missense variant.
Genome position (GRCh38, 1-based): chr5:128,305,944, A>C on the plus strand (T>G on the coding strand, the complement: FBN2 is on the minus strand). VCF-style: chr5-128305944-A-C. GRCh37 (hg19) VCF-style: chr5-127641636-A-C.
Other names: short protein forms I1809M.
Identifiers: ClinVar variation 213340 (VCV000213340.3), dbSNP rs756365546, ClinGen allele CA324606.

ClinVar aggregate classification (germline): Uncertain significance. Review status: criteria provided, multiple submitters, no conflicts (2 of 4 stars). 2 submissions from 2 submitters: Uncertain significance (2). Last evaluated 2026-03-21.

Conditions:
Familial thoracic aortic aneurysm and aortic dissection (TAAD). Also called: Thoracic aortic aneurysms and dissections. Identifiers: Orphanet 91387, MedGen C4707243, MONDO:0019625.

Allele frequency attached by ClinVar (database versions not stated): TOPMed below 0.00001.
gnomAD v4.1: 1 of 1,613,618 alleles (0.000062%); highest among the groups gnomAD compares: Non-Finnish European, 0.000085%; no homozygotes.

Submissions (2):

Ambry Genetics
Classification: Uncertain significance for Familial thoracic aortic aneurysm and aortic dissection. Last evaluated: 2026-03-21. Review status: criteria provided, single submitter. Criteria: Ambry Variant Classification Scheme 2023. Collection method: clinical testing. Allele origin: germline.
Comment: The p.I1809M variant (also known as c.5427T>G), located in coding exon 43 of the FBN2 gene, results from a T to G substitution at nucleotide position 5427. The isoleucine at codon 1809 is replaced by methionine, an amino acid with highly similar properties. This amino acid position is conserved. In addition, this alteration is predicted to be deleterious by in silico analysis. Based on the available evidence, the clinical significance of this variant remains unclear.

GeneDx
Classification: Uncertain significance. Last evaluated: 2015-07-01. Review status: criteria provided, single submitter. Criteria: GeneDx Variant Classification (06012015). Collection method: clinical testing. Allele origin: germline. Affected: yes.
Comment: p.Ile1809Met (I1809M) (ATT>ATG): c.5427 T>G in exon 43 of the FBN2 gene (NM_001999.3) The I1809M variant has not been published as a mutation, nor has it been reported as a benign polymorphism to our knowledge. The I1809M variant was not observed in approximately 6,500 individuals of European and African American ancestry in the NHLBI Exome Sequencing Project, indicating it is not a common benign variant in these populations. Additionally, this substitution occurs at a position that is conserved across species. However, the I1809M variant is a conservative amino acid substitution, which is not likely to impact secondary protein structure as these residues share similar properties. In silico analysis is inconsistent in its predictions as to whether or not the variant is damaging to the protein structure/function. The I1809M variant does not affect a Cysteine residue within a calcium-binding EGF-like domain of the FBN2. Cysteine substitutions in the calcium-binding EGF-like domains represent the majority of pathogenic missense changes associated with congenital arachnodactyly (Collod-Beroud et al., 2003). Furthermore, missense mutations in nearby residues have not been reported, indicating this region of the protein may be tolerant of change. Therefore, based on the currently available information, it is unclear whether this variant is a pathogenic mutation or a rare benign variant. This variant was found in TAADV2-PANCARD